The following is an entry in ClinVar:

ClinVar aggregate classification (germline): Uncertain significance (1 of 4 stars; one submission).

Conditions:
Benign neonatal seizures. Also called: Convulsions benign familial neonatal dominant form; Autosomal dominant form of benign neonatal seizures; Benign familial neonatal seizures; Benign neonatal familial convulsions; Benign familial neonatal epilepsy. Identifiers: Orphanet 1949, MedGen C0220669, MONDO:0016027.

Submission:

Labcorp Genetics (formerly Invitae), Labcorp
Classification: Uncertain significance for Benign neonatal seizures. Last evaluated: 2025-11-07. Review status: criteria provided, single submitter. Criteria: Invitae Variant Classification Sherloc (09022015). Collection method: clinical testing. Allele origin: germline.
Comment: This sequence change replaces threonine, which is neutral and polar, with arginine, which is basic and polar, at codon 846 of the KCNQ3 protein (p.Thr846Arg). This variant is not present in population databases (gnomAD no frequency). This variant has not been reported in the literature in individuals affected with KCNQ3-related conditions. ClinVar contains an entry for this variant (Variation ID: 3009366). Invitae Evidence Modeling of protein sequence and biophysical properties (such as structural, functional, and spatial information, amino acid conservation, physicochemical variation, residue mobility, and thermodynamic stability) has been performed for this missense variant. However, the output from this modeling did not meet the statistical confidence thresholds required to predict the impact of this variant on KCNQ3 protein function. In summary, the available evidence is currently insufficient to determine the role of this variant in disease. Therefore, it has been classified as a Variant of Uncertain Significance.

NM_004519.4(KCNQ3):c.2537C>G (p.Thr846Arg)

Gene: KCNQ3 (potassium voltage-gated channel subfamily Q member 3; minus strand). Cytogenetic location: 8q24.22.
Variant type: single nucleotide variant.
Coding change: c.2537C>G on transcript NM_004519.4 (MANE Select); coding-DNA position 2537, C replaced by G.
Protein change: p.Thr846Arg; replaces threonine 846 with arginine.
Molecular consequence: missense variant.
Genome position (GRCh38, 1-based): chr8:132,129,344, G>C on the plus strand (C>G on the coding strand, the complement: KCNQ3 is on the minus strand). VCF-style: chr8-132129344-G-C. GRCh37 (hg19) VCF-style: chr8-133141591-G-C.
Other names: c.2177C>G, p.Thr726Arg (NM_001204824.2); short protein forms T726R, T846R.
Identifiers: ClinVar variation 3009366 (VCV003009366.3), dbSNP rs765623435, ClinGen allele CA372215555.